The following is an entry in ClinVar:

NM_000322.5(PRPH2):c.634A>C (p.Ser212Arg)

Gene: PRPH2 (peripherin 2; minus strand). Cytogenetic location: 6p21.1.
Variant type: single nucleotide variant.
Coding change: c.634A>C on transcript NM_000322.5 (MANE Select); coding-DNA position 634, A replaced by C.
Protein change: p.Ser212Arg; replaces serine 212 with arginine.
Molecular consequence: missense variant.
Genome position (GRCh38, 1-based): chr6:42,704,559, T>G on the plus strand (A>C on the coding strand, the complement: PRPH2 is on the minus strand). VCF-style: chr6-42704559-T-G. GRCh37 (hg19) VCF-style: chr6-42672297-T-G.
Other names: short protein forms S212R.
Identifiers: ClinVar variation 942898 (VCV000942898.11), dbSNP rs61755800, ClinGen allele CA3808564.

ClinVar aggregate classification (germline): Pathogenic/Likely pathogenic. Review status: criteria provided, multiple submitters, no conflicts (2 of 4 stars). 3 submissions from 3 submitters: Pathogenic (1); Likely pathogenic (1). 1 of the submissions does not count toward it. Last evaluated 2026-01-25.

Conditions:
Retinal dystrophy. Also called: Inherited retinal dystrophy. Identifiers: Orphanet 71862, MedGen C0854723, MeSH D058499, MONDO:0019118, HP:0000556.
PRPH2-related disorder. Also called: PRPH2-related condition; PRPH2-related disorders. Identifiers: MedGen CN239395.

Allele frequency attached by ClinVar (database versions not stated): ExAC 0.00001; gnomAD exomes 0.00001.
gnomAD v4.1: 2 of 1,614,116 alleles (0.00012%); highest among the groups gnomAD compares: Admixed American, 0.0017%; no homozygotes.

Submissions (3):

Labcorp Genetics (formerly Invitae), Labcorp
Classification: Pathogenic for PRPH2-related disorder. Last evaluated: 2026-01-25. Review status: criteria provided, single submitter. Criteria: Invitae Variant Classification Sherloc (09022015). Collection method: clinical testing. Allele origin: germline.
Comment: This sequence change replaces serine, which is neutral and polar, with arginine, which is basic and polar, at codon 212 of the PRPH2 protein (p.Ser212Arg). This variant is present in population databases (rs61755800, gnomAD 0.01%). This missense change has been observed in individual(s) with Stargardt disease (internal data). ClinVar contains an entry for this variant (Variation ID: 942898). Invitae Evidence Modeling of protein sequence and biophysical properties (such as structural, functional, and spatial information, amino acid conservation, physicochemical variation, residue mobility, and thermodynamic stability) indicates that this missense variant is expected to disrupt PRPH2 protein function with a positive predictive value of 95%. This variant disrupts the p.Ser212 amino acid residue in PRPH2. Other variant(s) that disrupt this residue have been determined to be pathogenic (PMID: 1427912, 18050133, 28041643, 30924848). This suggests that this residue is clinically significant, and that variants that disrupt this residue are likely to be disease-causing. For these reasons, this variant has been classified as Pathogenic.

Blueprint Genetics
Classification: Likely pathogenic for PRPH2-related disorders. Last evaluated: 2019-09-12. Review status: criteria provided, single submitter. Criteria: ACMG Guidelines, 2015. Collection method: clinical testing. Allele origin: germline. Affected: yes. Observed: 1 variant allele.

Institute of Human Genetics, Univ. Regensburg, Univ. Regensburg
Classification: Likely pathogenic for Retinal dystrophy. Last evaluated: 2021-01-01. Review status: no assertion criteria provided. Criteria: ACMG Guidelines, 2015. Collection method: clinical testing. Allele origin: germline. Affected: yes. Not counted in ClinVar's aggregate classification.

Literature cited by the submitters: PubMed 1427912 (cited by Labcorp Genetics (formerly Invitae), Labcorp); PubMed 18050133 (cited by Labcorp Genetics (formerly Invitae), Labcorp); PubMed 28041643 (cited by Labcorp Genetics (formerly Invitae), Labcorp); PubMed 30924848 (cited by Labcorp Genetics (formerly Invitae), Labcorp).